The following is an entry in ClinVar:

NM_201384.3(PLEC):c.12652G>C (p.Ala4218Pro)

Gene: PLEC (plectin; minus strand). Cytogenetic location: 8q24.3.
Variant type: single nucleotide variant.
Coding change: c.12652G>C on transcript NM_201384.3 (MANE Select); coding-DNA position 12652, G replaced by C.
Protein change: p.Ala4218Pro; replaces alanine 4218 with proline.
Molecular consequence: missense variant.
Genome position (GRCh38, 1-based): chr8:143,917,169, C>G on the plus strand (G>C on the coding strand, the complement: PLEC is on the minus strand). VCF-style: chr8-143917169-C-G. GRCh37 (hg19) VCF-style: chr8-144991337-C-G.
Other names: c.12733G>C, p.Ala4245Pro (NM_000445.5); c.9352G>C, p.Ala3118Pro (NM_001410941.1); c.12610G>C, p.Ala4204Pro (NM_201378.4); c.12586G>C, p.Ala4196Pro (NM_201379.3); c.13063G>C, p.Ala4355Pro (NM_201380.4); c.12556G>C, p.Ala4186Pro (NM_201381.3); c.12652G>C, p.Ala4218Pro (NM_201382.4); c.12664G>C, p.Ala4222Pro (NM_201383.3); short protein forms A4186P, A4218P, A4355P, A4222P, A4196P, A4245P, A3118P, A4204P.
Identifiers: ClinVar variation 2132813 (VCV002132813.4), dbSNP rs2539201943, ClinGen allele CA372479944.

ClinVar aggregate classification (germline): Uncertain significance (1 of 4 stars; one submission).

Conditions:
Epidermolysis bullosa simplex with nail dystrophy (EBS5D). Identifiers: MedGen C4225309, MONDO:0014661, OMIM 616487.
Autosomal recessive limb-girdle muscular dystrophy type 2Q (LGMDR17). Also called: MUSCULAR DYSTROPHY, LIMB-GIRDLE, AUTOSOMAL RECESSIVE 17. Identifiers: Orphanet 254361, MedGen C3150989, MONDO:0013390, OMIM 613723.
Epidermolysis bullosa simplex 5B, with muscular dystrophy (EBS5B). Also called: EPIDERMOLYSIS BULLOSA SIMPLEX AND LIMB-GIRDLE MUSCULAR DYSTROPHY; Epidermolysis bullosa simplex with muscular dystrophy. Identifiers: Orphanet 257, MedGen C2931072, MONDO:0009181, OMIM 226670.
Epidermolysis bullosa simplex, Ogna type (EBS5A). Also called: Pidermolysis bullosa simplex 5A, Ogna type; EPIDERMOLYSIS BULLOSA SIMPLEX 5A, OGNA TYPE. Identifiers: Orphanet 79401, MedGen C0432317, MONDO:0007555, OMIM 131950.
Epidermolysis bullosa simplex 5C, with pyloric atresia (EBS5C). Also called: PLEC-Related Epidermolysis Bullosa with Pyloric Atresia; Epidermolysis bullosa simplex with pyloric atresia; PLEC1-Related Epidermolysis Bullosa with Pyloric Atresia. Identifiers: Orphanet 158684, MedGen C2677349, MONDO:0012807, OMIM 612138.

Allele frequency attached by ClinVar (database versions not stated): gnomAD exomes below 0.00001.
gnomAD v4.1: 3 of 1,611,908 alleles (0.00019%); highest among the groups gnomAD compares: Non-Finnish European, 0.00025%; no homozygotes.

Submission:

Labcorp Genetics (formerly Invitae), Labcorp
Classification: Uncertain significance for Autosomal recessive limb-girdle muscular dystrophy type 2Q; Epidermolysis bullosa simplex, Ogna type; Epidermolysis bullosa simplex with nail dystrophy; Epidermolysis bullosa simplex 5C, with pyloric atresia; Epidermolysis bullosa simplex 5B, with muscular dystrophy. Last evaluated: 2022-05-03. Review status: criteria provided, single submitter. Criteria: Invitae Variant Classification Sherloc (09022015). Collection method: clinical testing. Allele origin: germline.
Comment: This sequence change replaces alanine, which is neutral and non-polar, with proline, which is neutral and non-polar, at codon 4245 of the PLEC protein (p.Ala4245Pro). In summary, the available evidence is currently insufficient to determine the role of this variant in disease. Therefore, it has been classified as a Variant of Uncertain Significance. Algorithms developed to predict the effect of missense changes on protein structure and function (SIFT, PolyPhen-2, Align-GVGD) all suggest that this variant is likely to be disruptive. This variant has not been reported in the literature in individuals affected with PLEC-related conditions. This variant is not present in population databases (gnomAD no frequency).